The following is an entry in ClinVar:

NM_007078.3(LDB3):c.473C>T (p.Ala158Val)

Gene: LDB3 (LIM domain binding 3; plus strand). Cytogenetic location: 10q23.2.
Variant type: single nucleotide variant.
Coding change: c.473C>T on transcript NM_007078.3 (MANE Select); coding-DNA position 473, C replaced by T.
Protein change: p.Ala158Val; replaces alanine 158 with valine.
Molecular consequence: missense variant. On other transcripts: intron variant (5).
Genome position (GRCh38, 1-based): chr10:86,681,587, C>T. VCF-style: chr10-86681587-C-T. GRCh37 (hg19) VCF-style: chr10-88441344-C-T.
Other names: c.473C>T, p.Ala158Val (NM_001080115.2, NM_001171610.2, NM_001171611.2 and 3 more transcripts); c.321+1430C>T (NM_001368068.1, NM_001368066.1, NM_001080114.2 and 2 more transcripts); short protein forms A158V.
Identifiers: ClinVar variation 1953085 (VCV001953085.5), dbSNP rs2132371861, ClinGen allele CA377453870.
Genomic context (GRCh38, chr10:86,681,587, plus strand): 5'-TCAGGCCCACCTTTAGCCCTGCCTTCTCCCGGCCCTCCGCCTTCTCCTCACTCGCCGAGG[C>T]CTCTGACCCTGGCCCTCCGCGGGCCAGCCTGAGGGCCAAGACCAGCCCAGAGGGGGCCCG-3'
Protein context (NP_009009.1, residues 148-168): RPSAFSSLAE[Ala158Val]SDPGPPRASL

ClinVar aggregate classification (germline): Uncertain significance (1 of 4 stars; one submission).

Conditions:
Myofibrillar myopathy 4. Also called: Zaspopathy (type). Identifiers: Orphanet 98912, MedGen C4721886, MONDO:0012277, OMIM 609452.

Submission:

Labcorp Genetics (formerly Invitae), Labcorp
Classification: Uncertain significance for Myofibrillar myopathy 4. Last evaluated: 2023-05-23. Review status: criteria provided, single submitter. Criteria: Invitae Variant Classification Sherloc (09022015). Collection method: clinical testing. Allele origin: germline.
Comment: Experimental studies and prediction algorithms are not available or were not evaluated, and the functional significance of this variant is currently unknown. ClinVar contains an entry for this variant (Variation ID: 1953085). Algorithms developed to predict the effect of sequence changes on RNA splicing suggest that this variant is not likely to affect RNA splicing. In summary, the available evidence is currently insufficient to determine the role of this variant in disease. Therefore, it has been classified as a Variant of Uncertain Significance. The LDB3 gene has multiple clinically relevant transcripts. This variant occurs in alternate transcript NM_007078.3, and corresponds to NM_001080116.1:c.321+1430C>T in the primary transcript. This sequence change replaces alanine, which is neutral and non-polar, with valine, which is neutral and non-polar, at codon 158 of the LDB3 protein (p.Ala158Val). This variant is not present in population databases (gnomAD no frequency). This variant has not been reported in the literature in individuals affected with LDB3-related conditions.